The following is an entry in ClinVar:

ClinVar aggregate classification (germline): Uncertain significance (1 of 4 stars; one submission).

Conditions:
Inborn genetic diseases. Identifiers: MedGen C0950123, MeSH D030342.

Submission:

Ambry Genetics
Classification: Uncertain significance for Inborn genetic diseases. Last evaluated: 2026-05-11. Review status: criteria provided, single submitter. Criteria: Ambry Variant Classification Scheme 2023. Collection method: clinical testing. Allele origin: germline.
Comment: The c.3924G>A (p.W1308*) alteration, located in exon 30 (coding exon 30) of the CDC42BPB gene, consists of a G to A substitution at nucleotide position 3924. This changes the amino acid from a tryptophan (W) to a stop codon at amino acid position 1308. This variant is expected to result in loss of function by premature protein truncation or nonsense-mediated mRNA decay; however, loss-of-function of CDC42BPB has not been established as a mechanism of disease. This variant was not reported in population-based cohorts in the Genome Aggregation Database (gnomAD). Based on insufficient or conflicting evidence, the clinical significance of this alteration remains unclear.

NM_006035.4(CDC42BPB):c.3924G>A (p.Trp1308Ter)

Gene: CDC42BPB (CDC42 binding protein kinase beta; minus strand). Cytogenetic location: 14q32.32.
Variant type: single nucleotide variant.
Coding change: c.3924G>A on transcript NM_006035.4 (MANE Select); coding-DNA position 3924, G replaced by A.
Protein change: p.Trp1308Ter; replaces tryptophan 1308 with a stop codon.
Molecular consequence: nonsense.
Genome position (GRCh38, 1-based): chr14:102,944,375, C>T on the plus strand (G>A on the coding strand, the complement: CDC42BPB is on the minus strand). VCF-style: chr14-102944375-C-T. GRCh37 (hg19) VCF-style: chr14-103410712-C-T.
Other names: c.3846G>A, p.Trp1282Ter (NM_001411054.1); short protein forms W1282*, W1308*.
Identifiers: ClinVar variation 4868331 (VCV004868331.1).